The following is an entry in ClinVar:

NM_001374385.1(ATP8B1):c.150A>G (p.Glu50=)

Gene: ATP8B1 (ATPase phospholipid transporting 8B1; minus strand). Cytogenetic location: 18q21.31.
Variant type: single nucleotide variant.
Coding change: c.150A>G on transcript NM_001374385.1 (MANE Select); coding-DNA position 150, A replaced by G.
Protein change: p.Glu50=; no amino-acid change (glutamic acid 50 retained).
Molecular consequence: synonymous variant. On other transcripts: missense variant (1).
Genome position (GRCh38, 1-based): chr18:57,731,658, T>C on the plus strand (A>G on the coding strand, the complement: ATP8B1 is on the minus strand). VCF-style: chr18-57731658-T-C. GRCh37 (hg19) VCF-style: chr18-55398890-T-C.
Other names: c.98A>G, p.Lys33Arg (NM_001374386.1); c.150A>G, p.Glu50= (NM_005603.6); short protein forms K33R.
Identifiers: ClinVar variation 195247 (VCV000195247.19), dbSNP rs137973298, ClinGen allele CA241589.

ClinVar aggregate classification (germline): Conflicting classifications of pathogenicity. Review status: criteria provided, conflicting classifications (1 of 4 stars). 5 submissions from 5 submitters: Uncertain significance (1); Benign (1); Likely benign (3). Last evaluated 2026-02-02.

Conditions:
Progressive familial intrahepatic cholestasis type 1. Also called: Byler's disease; BYLER DISEASE; Severe ATP8B1 Deficiency (Progressive Familial Intrahepatic Cholestasis Type 1 [PFIC1]). Identifiers: Orphanet 79306, MedGen C4551898, MONDO:0008892, OMIM 211600.

Allele frequency attached by ClinVar (database versions not stated): TOPMed 0.00133; gnomAD 0.00140 and 0.00146; gnomAD exomes 0.00154 and 0.00238; ExAC 0.00162; ESP Exome Variant Server 0.00192; 1000 Genomes Project 30x 0.00031; 1000 Genomes Project 0.00040.
gnomAD v4.1: 3,634 of 1,614,094 alleles (0.23%); highest among the groups gnomAD compares: Non-Finnish European, 0.28%; 8 homozygotes.

Submissions (5):

Labcorp Genetics (formerly Invitae), Labcorp
Classification: Benign. Last evaluated: 2026-02-02. Review status: criteria provided, single submitter. Criteria: Invitae Variant Classification Sherloc (09022015). Collection method: clinical testing. Allele origin: germline.

Blueprint Genetics
Classification: Likely benign. Last evaluated: 2024-11-20. Review status: criteria provided, single submitter. Criteria: ACMG Guidelines, 2015. Collection method: clinical testing. Allele origin: germline.

Eurofins Ntd Llc (ga)
Classification: Uncertain significance. Last evaluated: 2018-06-12. Review status: criteria provided, single submitter. Criteria: EGL ClinVar v180209 classification definitions. Collection method: clinical testing. Allele origin: germline. Observed: 11 variant alleles, 11 heterozygotes.

GeneDx
Classification: Likely benign. Last evaluated: 2018-02-15. Review status: criteria provided, single submitter. Criteria: GeneDx Variant Classification (06012015). Collection method: clinical testing. Allele origin: germline. Affected: yes.
Comment: This variant is considered likely benign or benign based on one or more of the following criteria: it is a conservative change, it occurs at a poorly conserved position in the protein, it is predicted to be benign by multiple in silico algorithms, and/or has population frequency not consistent with disease.

Illumina Laboratory Services, Illumina
Classification: Likely benign for Progressive familial intrahepatic cholestasis type 1. Last evaluated: 2018-01-13. Review status: criteria provided, single submitter. Criteria: ICSL Variant Classification Criteria 13 December 2019. Collection method: clinical testing. Allele origin: germline.
Comment: This variant was observed in the ICSL laboratory as part of a predisposition screen in an ostensibly healthy population. It had not been previously curated by ICSL or reported in the Human Gene Mutation Database (HGMD: prior to June 1st, 2018), and was therefore a candidate for classification through an automated scoring system. Utilizing variant allele frequency, disease prevalence and penetrance estimates, and inheritance mode, an automated score was calculated to assess if this variant is too frequent to cause the disease. Based on the score and internal cut-off values, a variant classified as likely benign is not then subjected to further curation. The score for this variant resulted in a classification of likely benign for this disease.